The following is an entry in ClinVar:

NM_000368.5(TSC1):c.1418T>A (p.Ile473Asn)

Gene: TSC1 (TSC complex subunit 1; minus strand). Cytogenetic location: 9q34.13.
Variant type: single nucleotide variant.
Coding change: c.1418T>A on transcript NM_000368.5 (MANE Select); coding-DNA position 1418, T replaced by A.
Protein change: p.Ile473Asn; replaces isoleucine 473 with asparagine.
Molecular consequence: missense variant. On other transcripts: non-coding transcript variant (5).
Genome position (GRCh38, 1-based): chr9:132,906,751, A>T on the plus strand (T>A on the coding strand, the complement: TSC1 is on the minus strand). VCF-style: chr9-132906751-A-T. GRCh37 (hg19) VCF-style: chr9-135782138-A-T.
Other names: c.1415T>A, p.Ile472Asn (NM_001162426.2, NM_001406597.1, NM_001406598.1 and 6 more transcripts); c.1265T>A, p.Ile422Asn (NM_001162427.2, NM_001406610.1); c.1055T>A, p.Ile352Asn (NM_001362177.2, NM_001406614.1, NM_001406615.1 and 5 more transcripts); c.1418T>A, p.Ile473Asn (NM_001406592.1, NM_001406593.1, NM_001406594.1 and 7 more transcripts); c.1262T>A, p.Ile421Asn (NM_001406611.1, NM_001406612.1, NM_001406613.1); c.1052T>A, p.Ile351Asn (NM_001406620.1, NM_001406621.1, NM_001406622.1 and 2 more transcripts); c.467T>A, p.Ile156Asn (NM_001406626.1); c.464T>A, p.Ile155Asn (NM_001406627.1, NM_001406628.1); and 1 more; short protein forms I156N, I422N, I421N, I472N, I155N, I352N, I122N, I351N.
Identifiers: ClinVar variation 2447882 (VCV002447882.2), dbSNP rs185159716, ClinGen allele CA375365825.
Genomic context (GRCh38, chr9:132,906,751, plus strand): 5'-GTCAGGTTTTATCAACTCATAGCAATCCCACATACATTACCTTCTTCTTTATCTTTTTCA[A>T]TACTATCTTCTTCAGAGGCCAGATCACCTAAAAACCCTGGAAGATCACTTAGAGTGACAG-3'
Protein context (NP_000359.1, residues 463-483): LGDLASEEDS[Ile473Asn]EKDKEEAAIS

ClinVar aggregate classification (germline): Uncertain significance (1 of 4 stars; one submission).

Conditions:
Hereditary cancer-predisposing syndrome. Also called: Neoplastic Syndromes, Hereditary; Hereditary Cancer Syndrome; Tumor predisposition; Hereditary neoplastic syndrome. Identifiers: Orphanet 140162, MedGen C0027672, MeSH D009386, MONDO:0015356.

Submission:

Ambry Genetics
Classification: Uncertain significance for Hereditary cancer-predisposing syndrome. Last evaluated: 2023-01-11. Review status: criteria provided, single submitter. Criteria: Ambry Variant Classification Scheme 2023. Collection method: clinical testing. Allele origin: germline.
Comment: The p.I473N variant (also known as c.1418T>A), located in coding exon 12 of the TSC1 gene, results from a T to A substitution at nucleotide position 1418. The isoleucine at codon 473 is replaced by asparagine, an amino acid with dissimilar properties. This amino acid position is conserved. In addition, this alteration is predicted to be tolerated by in silico analysis. Since supporting evidence is limited at this time, the clinical significance of this alteration remains unclear.